The following is an entry in ClinVar:

NM_000384.3(APOB):c.12443_12444delinsAA (p.Ala4148Glu)

Gene: APOB (apolipoprotein B; minus strand). Cytogenetic location: 2p24.1.
Variant type: Indel.
Coding change: c.12443_12444delinsAA on transcript NM_000384.3 (MANE Select); coding-DNA positions 12443 to 12444, CC replaced by AA.
Protein change: p.Ala4148Glu; replaces alanine 4148 with glutamic acid.
Molecular consequence: missense variant.
Genome position (GRCh38, 1-based): chr2:21,002,978-21,002,979, GG replaced by TT on the plus strand (CC replaced by AA on the coding strand, the reverse complement: APOB is on the minus strand). VCF-style: chr2-21002978-GG-TT. GRCh37 (hg19) VCF-style: chr2-21225850-GG-TT.
Other names: c.12443_12444delCCinsAA (NM_000384.2); short protein forms A4148E.
Identifiers: ClinVar variation 630649 (VCV000630649.12), dbSNP rs1558559244, ClinGen allele CA913187895.

ClinVar aggregate classification (germline): Uncertain significance. Review status: criteria provided, multiple submitters, no conflicts (2 of 4 stars). 5 submissions from 5 submitters: Uncertain significance (5). Last evaluated 2026-06-29.

Conditions:
Cardiovascular phenotype. Identifiers: MedGen CN230736.
Hypercholesterolemia, autosomal dominant, type B (FHCL2). Also called: APOB-Related Familial Hypercholesterolemia, Autosomal Dominant; Familial hypercholesterolemia 2; Familial Hypercholesterolemia Type B; HYPERCHOLESTEROLEMIA, FAMILIAL, DUE TO LIGAND-DEFECTIVE APOLIPOPROTEIN B; Hyperlipoproteinemia Type IIb; APOLIPOPROTEIN B-100, FAMILIAL DEFECTIVE. Identifiers: MedGen C1704417, MONDO:0007751, OMIM 144010.
Familial hypobetalipoproteinemia 1. Also called: APOB-Related Familial Hypobetalipoproteinemia; Hypobetalipoproteinemia, normotriglyceridemic; Acanthocytosis with hypobetalipoproteinemia. Identifiers: MedGen C4551990, MONDO:0014252, OMIM 615558.

Submissions (5):

GeneDx
Classification: Uncertain significance. Last evaluated: 2026-06-29. Review status: criteria provided, single submitter. Criteria: GeneDx Variant Classification Process June 2021. Collection method: clinical testing. Allele origin: germline.
Comment: Identified in patients with familial hypercholesterolemia in published literature (PMID: 35913489, 37370883); Not observed at significant frequency in large population cohorts (gnomAD); In silico analysis supports a deleterious effect on protein structure/function; Also known as A4121E; This variant is associated with the following publications: (PMID: 35913489, 37370883, Rabacchi[article2017])

Labcorp Genetics (formerly Invitae), Labcorp
Classification: Uncertain significance for Familial hypobetalipoproteinemia 1; Hypercholesterolemia, autosomal dominant, type B. Last evaluated: 2026-01-07. Review status: criteria provided, single submitter. Criteria: Invitae Variant Classification Sherloc (09022015). Collection method: clinical testing. Allele origin: germline.
Comment: This sequence change replaces alanine, which is neutral and non-polar, with glutamic acid, which is acidic and polar, at codon 4148 of the APOB protein (p.Ala4148Glu). This variant is present in population databases (no rsID available, gnomAD 0.002%). This missense change has been observed in individual(s) with clinical features of familial hypercholesterolemia (PMID: 35913489). ClinVar contains an entry for this variant (Variation ID: 630649). An algorithm developed to predict the effect of missense changes on protein structure and function (PolyPhen-2) suggests that this variant is likely to be disruptive. In summary, the available evidence is currently insufficient to determine the role of this variant in disease. Therefore, it has been classified as a Variant of Uncertain Significance.

Ambry Genetics
Classification: Uncertain significance for Cardiovascular phenotype. Last evaluated: 2024-10-30. Review status: criteria provided, single submitter. Criteria: Ambry Variant Classification Scheme 2023. Collection method: clinical testing. Allele origin: germline.
Comment: The c.12443_12444delCCinsAA variant, located in coding exon 29 of the APOB gene, results from an in-frame deletion of CC and insertion of AA at nucleotide positions 12443 to 12444. This results in the substitution of the alanine residue for a glutamic acid residue at codon 4148, an amino acid with dissimilar properties. This variant has been reported in individual(s) in familial hypercholesterolemia (FH) cohorts, but clinical details were limited (Sustar U et al. Genet Med, 2022 Oct;24:2103-2111; Constantin AT et al. Diagnostics (Basel), 2023 Jun;13:[ePub ahead of print]). This amino acid position is not well conserved in available vertebrate species. Based on data from gnomAD, the allele has an overall frequency of 0.0022% (6/269354) total alleles studied. The highest observed frequency was 0.0029% (1/33566) of Hispanic/Latino alleles. In addition, the in silico prediction for this alteration is inconclusive (Choi Y et al. PLoS ONE. 2012; 7(10):e46688). Based on the available evidence, the clinical significance of this variant remains unclear.

Quest Diagnostics Nichols Institute San Juan Capistrano
Classification: Uncertain significance. Last evaluated: 2022-11-23. Review status: criteria provided, single submitter. Criteria: Quest Diagnostics criteria. Collection method: clinical testing. Allele origin: unknown.
Comment: To the best of our knowledge, the variant has not been reported in the published literature. It also has not been reported in large, multi-ethnic general populations. Analysis of this variant using bioinformatics tools for the prediction of the effect of amino acid changes on protein structure and function yielded predictions that this variant is damaging. Based on the available information, we are unable to determine the clinical significance of this variant.

Fulgent Genetics
Classification: Uncertain significance for Hypercholesterolemia, autosomal dominant, type B; Familial hypobetalipoproteinemia 1. Last evaluated: 2021-09-13. Review status: criteria provided, single submitter. Criteria: ACMG Guidelines, 2015. Collection method: clinical testing. Allele origin: unknown.

Literature cited by the submitters: PubMed 35913489 (cited by Labcorp Genetics (formerly Invitae), Labcorp and Ambry Genetics); PubMed 37370883 (cited by Ambry Genetics).